The following is an entry in ClinVar:

NM_014208.3(DSPP):c.903T>G (p.Ser301Arg)

Genes: DMP1-AS1 (DMP1 and DSPP antisense RNA 1; minus strand), DSPP (dentin sialophosphoprotein; plus strand). Cytogenetic location: 4q22.1.
Variant type: single nucleotide variant.
Coding change: c.903T>G on transcript NM_014208.3 (MANE Select); coding-DNA position 903, T replaced by G.
Protein change: p.Ser301Arg; replaces serine 301 with arginine.
Molecular consequence: missense variant.
Genome position (GRCh38, 1-based): chr4:87,613,089, T>G. VCF-style: chr4-87613089-T-G. GRCh37 (hg19) VCF-style: chr4-88534241-T-G.
Other names: short protein forms S301R.
Identifiers: ClinVar variation 1203610 (VCV001203610.9), dbSNP rs199872819, ClinGen allele CA3000975.

ClinVar aggregate classification (germline): Likely benign. Review status: criteria provided, multiple submitters, no conflicts (2 of 4 stars). 4 submissions from 4 submitters: Likely benign (3). 1 of the submissions does not count toward it. Last evaluated 2025-09-22.

Conditions:
DSPP-related disorder. Also called: DSPP-related condition.

Allele frequency attached by ClinVar (database versions not stated): gnomAD exomes 0.00005 and 0.00015; 1000 Genomes Project 30x 0.00016; 1000 Genomes Project 0.00020; ExAC 0.00023; ESP Exome Variant Server 0.00058; gnomAD 0.00082 and 0.00093; TOPMed 0.00088.
gnomAD v4.1: 216 of 1,614,078 alleles (0.013%); highest among the groups gnomAD compares: African/African-American, 0.24%; no homozygotes.

Submissions (4):

Labcorp Genetics (formerly Invitae), Labcorp
Classification: Likely benign. Last evaluated: 2025-09-22. Review status: criteria provided, single submitter. Criteria: Invitae Variant Classification Sherloc (09022015). Collection method: clinical testing. Allele origin: germline.

Blueprint Genetics
Classification: Likely benign. Last evaluated: 2024-06-05. Review status: criteria provided, single submitter. Criteria: ACMG Guidelines, 2015. Collection method: clinical testing. Allele origin: germline.

GeneDx
Classification: Likely benign. Last evaluated: 2019-11-25. Review status: criteria provided, single submitter. Criteria: GeneDx Variant Classification Process June 2021. Collection method: clinical testing. Allele origin: germline. Affected: yes.
Comment: In silico analysis, which includes protein predictors and evolutionary conservation, supports that this variant does not alter protein structure/function; Has not been previously published as pathogenic or benign to our knowledge

PreventionGenetics, part of Exact Sciences
Classification: Likely benign for DSPP-related condition. Last evaluated: 2019-11-01. Review status: no assertion criteria provided. Collection method: clinical testing. Allele origin: germline. Not counted in ClinVar's aggregate classification.
Comment: This variant is classified as likely benign based on ACMG/AMP sequence variant interpretation guidelines (Richards et al. 2015 PMID: 25741868, with internal and published modifications).